The following is an entry in ClinVar:

NM_000428.3(LTBP2):c.1336A>T (p.Arg446Trp)

Gene: LTBP2 (latent transforming growth factor beta binding protein 2; minus strand). Cytogenetic location: 14q24.3.
Variant type: single nucleotide variant.
Coding change: c.1336A>T on transcript NM_000428.3 (MANE Select); coding-DNA position 1336, A replaced by T.
Protein change: p.Arg446Trp; replaces arginine 446 with tryptophan.
Molecular consequence: missense variant.
Genome position (GRCh38, 1-based): chr14:74,552,250, T>A on the plus strand (A>T on the coding strand, the complement: LTBP2 is on the minus strand). VCF-style: chr14-74552250-T-A. GRCh37 (hg19) VCF-style: chr14-75018953-T-A.
Other names: short protein forms R446W.
Identifiers: ClinVar variation 1520749 (VCV001520749.8), dbSNP rs1320096370, ClinGen allele CA390400164.
Genomic context (GRCh38, chr14:74,552,250, plus strand): 5'-GCTGGTTGGAGAGCGGCAGTGTGAAAGTGGACTGCTTCAGTGGGGCTTCCAGCAAGGCCC[T>A]GGGGCGGGACCCCCTCCCTGGAGGCTCCCTGTCCGGCTGCGGGATAGGCAGGTGGCAGAA-3'
Protein context (NP_000419.1, residues 436-456): REPPGRGSRP[Arg446Trp]ALLEAPLKQS

ClinVar aggregate classification (germline): Uncertain significance (1 of 4 stars; one submission).

Submission:

Labcorp Genetics (formerly Invitae), Labcorp
Classification: Uncertain significance. Last evaluated: 2021-07-21. Review status: criteria provided, single submitter. Criteria: Invitae Variant Classification Sherloc (09022015). Collection method: clinical testing. Allele origin: germline.
Comment: This sequence change replaces arginine with tryptophan at codon 446 of the LTBP2 protein (p.Arg446Trp). The arginine residue is moderately conserved and there is a moderate physicochemical difference between arginine and tryptophan. This variant is not present in population databases (ExAC no frequency). This variant has not been reported in the literature in individuals affected with LTBP2-related conditions. Algorithms developed to predict the effect of missense changes on protein structure and function are either unavailable or do not agree on the potential impact of this missense change (SIFT: "Deleterious"; PolyPhen-2: "Benign"; Align-GVGD: "Class C0"). In summary, the available evidence is currently insufficient to determine the role of this variant in disease. Therefore, it has been classified as a Variant of Uncertain Significance.